The following is an entry in ClinVar:

ClinVar aggregate classification (germline): Uncertain significance (1 of 4 stars; one submission).

Allele frequency attached by ClinVar (database versions not stated): gnomAD exomes 0.00004; TOPMed 0.00006; gnomAD 0.00011.
gnomAD v4.1: 75 of 1,539,818 alleles (0.0049%); highest among the groups gnomAD compares: African/African-American, 0.023%; no homozygotes.

Submission:

Labcorp Genetics (formerly Invitae), Labcorp
Classification: Uncertain significance. Last evaluated: 2023-10-26. Review status: criteria provided, single submitter. Criteria: Invitae Variant Classification Sherloc (09022015). Collection method: clinical testing. Allele origin: germline.
Comment: This sequence change replaces proline, which is neutral and non-polar, with leucine, which is neutral and non-polar, at codon 1078 of the IQSEC1 protein (p.Pro1078Leu). This variant is present in population databases (rs561842869, gnomAD 0.03%). This variant has not been reported in the literature in individuals affected with IQSEC1-related conditions. Experimental studies and prediction algorithms are not available or were not evaluated, and the functional significance of this variant is currently unknown. In summary, the available evidence is currently insufficient to determine the role of this variant in disease. Therefore, it has been classified as a Variant of Uncertain Significance.

NM_001134382.3(IQSEC1):c.3233C>T (p.Pro1078Leu)

Gene: IQSEC1 (IQ motif and Sec7 domain ArfGEF 1; minus strand). Cytogenetic location: 3p25.2.
Variant type: single nucleotide variant.
Coding change: c.3233C>T on transcript NM_001134382.3 (MANE Select); coding-DNA position 3233, C replaced by T.
Protein change: p.Pro1078Leu; replaces proline 1078 with leucine.
Molecular consequence: missense variant. On other transcripts: 3 prime UTR variant (1), intron variant (1).
Genome position (GRCh38, 1-based): chr3:12,901,095, G>A on the plus strand (C>T on the coding strand, the complement: IQSEC1 is on the minus strand). VCF-style: chr3-12901095-G-A. GRCh37 (hg19) VCF-style: chr3-12942594-G-A.
Other names: c.*414C>T (NM_001330619.3); c.3557C>T, p.Pro1186Leu (NM_001376938.2); c.2848-1661C>T (NM_014869.8); short protein forms P1186L, P1078L.
Identifiers: ClinVar variation 2892712 (VCV002892712.3), dbSNP rs561842869, ClinGen allele CA69648273.